The following is an entry in ClinVar:

ClinVar aggregate classification (germline): Uncertain significance (1 of 4 stars; one submission).

Allele frequency attached by ClinVar (database versions not stated): gnomAD exomes below 0.00001; TOPMed below 0.00001.
gnomAD v4.1: 1 of 1,613,960 alleles (0.000062%); highest among the groups gnomAD compares: African/African-American, 0.0013%; no homozygotes.

Submission:

GeneDx
Classification: Uncertain significance. Last evaluated: 2019-10-10. Review status: criteria provided, single submitter. Criteria: GeneDx Variant Classification Process June 2021. Collection method: clinical testing. Allele origin: germline. Affected: yes.
Comment: Has not been previously published as pathogenic or benign to our knowledge; Not observed in large population cohorts (Lek et al., 2016); In silico analysis, which includes protein predictors and evolutionary conservation, supports that this variant does not alter protein structure/function

NM_018489.3(ASH1L):c.4199A>G (p.Tyr1400Cys)

Gene: ASH1L (ASH1 like histone lysine methyltransferase; minus strand). Cytogenetic location: 1q22.
Variant type: single nucleotide variant.
Coding change: c.4199A>G on transcript NM_018489.3 (MANE Select); coding-DNA position 4199, A replaced by G.
Protein change: p.Tyr1400Cys; replaces tyrosine 1400 with cysteine.
Molecular consequence: missense variant.
Genome position (GRCh38, 1-based): chr1:155,478,671, T>C on the plus strand (A>G on the coding strand, the complement: ASH1L is on the minus strand). VCF-style: chr1-155478671-T-C. GRCh37 (hg19) VCF-style: chr1-155448462-T-C.
Other names: c.4199A>G, p.Tyr1400Cys (NM_001366177.2); short protein forms Y1400C.
Identifiers: ClinVar variation 1315838 (VCV001315838.2), dbSNP rs1665743058, ClinGen allele CA342704184.